The following is an entry in ClinVar:

ClinVar aggregate classification (germline): Uncertain significance (1 of 4 stars; one submission).

gnomAD v4.1: 8 of 1,600,026 alleles (0.0005%); highest among the groups gnomAD compares: African/African-American, 0.0027%; no homozygotes.

Submission:

Labcorp Genetics (formerly Invitae), Labcorp
Classification: Uncertain significance. Last evaluated: 2025-11-11. Review status: criteria provided, single submitter. Criteria: Invitae Variant Classification Sherloc (09022015). Collection method: clinical testing. Allele origin: germline.
Comment: This sequence change replaces phenylalanine, which is neutral and non-polar, with leucine, which is neutral and non-polar, at codon 33 of the BMP2 protein (p.Phe33Leu). The frequency data for this variant in the population databases is considered unreliable, as metrics indicate poor data quality at this position in the gnomAD database. This variant has not been reported in the literature in individuals affected with BMP2-related conditions. ClinVar contains an entry for this variant (Variation ID: 3698425). An algorithm developed to predict the effect of missense changes on protein structure and function (PolyPhen-2) suggests that this variant is likely to be disruptive. In summary, the available evidence is currently insufficient to determine the role of this variant in disease. Therefore, it has been classified as a Variant of Uncertain Significance.

NM_001200.4(BMP2):c.99C>A (p.Phe33Leu)

Gene: BMP2 (bone morphogenetic protein 2; plus strand). Cytogenetic location: 20p12.3.
Variant type: single nucleotide variant.
Coding change: c.99C>A on transcript NM_001200.4 (MANE Select); coding-DNA position 99, C replaced by A.
Protein change: p.Phe33Leu; replaces phenylalanine 33 with leucine.
Molecular consequence: missense variant.
Genome position (GRCh38, 1-based): chr20:6,770,225, C>A. VCF-style: chr20-6770225-C-A. GRCh37 (hg19) VCF-style: chr20-6750872-C-A.
Other names: short protein forms F33L.
Identifiers: ClinVar variation 3698425 (VCV003698425.2).